The following is an entry in ClinVar:

ClinVar aggregate classification (germline): Uncertain significance (1 of 4 stars; one submission).

Allele frequency attached by ClinVar (database versions not stated): gnomAD exomes below 0.00001; ExAC 0.00001.
gnomAD v4.1: 1 of 1,614,138 alleles (0.000062%); highest among the groups gnomAD compares: East Asian, 0.0022%; no homozygotes.

Submission:

Labcorp Genetics (formerly Invitae), Labcorp
Classification: Uncertain significance. Last evaluated: 2022-01-27. Review status: criteria provided, single submitter. Criteria: Invitae Variant Classification Sherloc (09022015). Collection method: clinical testing. Allele origin: germline.
Comment: In summary, the available evidence is currently insufficient to determine the role of this variant in disease. Therefore, it has been classified as a Variant of Uncertain Significance. Algorithms developed to predict the effect of missense changes on protein structure and function are either unavailable or do not agree on the potential impact of this missense change (SIFT: "Deleterious"; PolyPhen-2: "Benign"; Align-GVGD: "Class C0"). This variant has not been reported in the literature in individuals affected with SIAE-related conditions. This variant is present in population databases (no rsID available, gnomAD 0.006%). This sequence change replaces threonine, which is neutral and polar, with proline, which is neutral and non-polar, at codon 180 of the SIAE protein (p.Thr180Pro).

NM_170601.5(SIAE):c.538A>C (p.Thr180Pro)

Gene: SIAE (sialic acid acetylesterase; minus strand). Cytogenetic location: 11q24.2.
Variant type: single nucleotide variant.
Coding change: c.538A>C on transcript NM_170601.5 (MANE Select); coding-DNA position 538, A replaced by C.
Protein change: p.Thr180Pro; replaces threonine 180 with proline.
Molecular consequence: missense variant.
Genome position (GRCh38, 1-based): chr11:124,654,661, T>G on the plus strand (A>C on the coding strand, the complement: SIAE is on the minus strand). VCF-style: chr11-124654661-T-G. GRCh37 (hg19) VCF-style: chr11-124524557-T-G.
Other names: c.433A>C, p.Thr145Pro (NM_001199922.2); short protein forms T180P, T145P.
Identifiers: ClinVar variation 1481794 (VCV001481794.8), dbSNP rs1555098255, ClinGen allele CA6341504.